The following is an entry in ClinVar:

ClinVar aggregate classification (germline): Benign/Likely benign. Review status: criteria provided, multiple submitters, no conflicts (2 of 4 stars). 4 submissions from 4 submitters: Benign (1); Likely benign (3). Last evaluated 2025-11-24.

Conditions:
Hereditary cancer-predisposing syndrome. Also called: Hereditary neoplastic syndrome; Tumor predisposition; Hereditary Cancer Syndrome; Neoplastic Syndromes, Hereditary. Identifiers: Orphanet 140162, MedGen C0027672, MeSH D009386, MONDO:0015356.
Familial cancer of breast. Also called: Hereditary breast cancer; hereditary breast carcinoma; BREAST CANCER, FAMILIAL. Identifiers: Orphanet 227535, MedGen C0346153, MONDO:0016419, OMIM 114480. Disease mechanism: loss of function.

Allele frequency attached by ClinVar (database versions not stated): TOPMed below 0.00001; gnomAD 0.00001.
gnomAD v4.1: 5 of 1,614,098 alleles (0.00031%); highest among the groups gnomAD compares: South Asian, 0.0011%; no homozygotes.

Submissions (4):

Labcorp Genetics (formerly Invitae), Labcorp
Classification: Likely benign for Familial cancer of breast. Last evaluated: 2025-11-24. Review status: criteria provided, single submitter. Criteria: Invitae Variant Classification Sherloc (09022015). Collection method: clinical testing. Allele origin: germline.

Myriad Genetics, Inc.
Classification: Benign for Familial cancer of breast. Last evaluated: 2025-01-16. Review status: criteria provided, single submitter. Criteria: Myriad Autosomal Dominant, Autosomal Recessive and X-Linked Classification Criteria (2023). Collection method: clinical testing. Allele origin: unknown.
Comment: This variant is considered benign. This variant is a silent/synonymous amino acid change and it is not expected to impact splicing.

Ambry Genetics
Classification: Likely benign for Hereditary cancer-predisposing syndrome. Last evaluated: 2023-06-28. Review status: criteria provided, single submitter. Criteria: Ambry Variant Classification Scheme 2023. Collection method: clinical testing. Allele origin: germline.

Color Diagnostics, LLC DBA Color Health
Classification: Likely benign for Hereditary cancer-predisposing syndrome. Last evaluated: 2017-10-28. Review status: criteria provided, single submitter. Criteria: ACMG Guidelines, 2015. Collection method: clinical testing. Allele origin: germline.

NM_024675.4(PALB2):c.2415C>T (p.Val805=)

Gene: PALB2 (partner and localizer of BRCA2; minus strand). Cytogenetic location: 16p12.2.
Variant type: single nucleotide variant.
Coding change: c.2415C>T on transcript NM_024675.4 (MANE Select); coding-DNA position 2415, C replaced by T.
Protein change: p.Val805=; no amino-acid change (valine 805 retained).
Molecular consequence: synonymous variant.
Genome position (GRCh38, 1-based): chr16:23,629,739, G>A on the plus strand (C>T on the coding strand, the complement: PALB2 is on the minus strand). VCF-style: chr16-23629739-G-A. GRCh37 (hg19) VCF-style: chr16-23641060-G-A.
Identifiers: ClinVar variation 492182 (VCV000492182.10), dbSNP rs756996540, ClinGen allele CA494460921.
Genomic context (GRCh38, chr16:23,629,739, plus strand): 5'-TCTACAGAGCTGATTTTCTTTAAAAGTGAATGACTCAATGGGTGGAGGTGTTCCTGGCGG[G>A]ACAGAGTCACAGTCACAGGTAGGTTGTCCTTGCCTGCCTGACACTTGCAGGGTGGTATGT-3'
Protein context (NP_078951.2, residues 795-815): QGQPTCDCDS[Val805=]PPGTPPPIES